The following is an entry in ClinVar:

NM_080669.6(SLC46A1):c.25G>T (p.Glu9Ter)

Genes: SLC46A1 (solute carrier family 46 member 1; minus strand), LOC130060550 (ATAC-STARR-seq lymphoblastoid silent region 8340; plus strand). Cytogenetic location: 17q11.2.
Variant type: single nucleotide variant.
Coding change: c.25G>T on transcript NM_080669.6 (MANE Select); coding-DNA position 25, G replaced by T.
Protein change: p.Glu9Ter; replaces glutamic acid 9 with a stop codon.
Molecular consequence: nonsense.
Genome position (GRCh38, 1-based): chr17:28,406,090, C>A on the plus strand (G>T on the coding strand, the complement: SLC46A1 is on the minus strand). VCF-style: chr17-28406090-C-A. GRCh37 (hg19) VCF-style: chr17-26733108-C-A.
Other names: c.25G>T, p.Glu9Ter (NM_001242366.3); short protein forms E9*.
Identifiers: ClinVar variation 4735759 (VCV004735759.1).

ClinVar aggregate classification (germline): Pathogenic (1 of 4 stars; one submission).

Submission:

Labcorp Genetics (formerly Invitae), Labcorp
Classification: Pathogenic. Last evaluated: 2026-01-19. Review status: criteria provided, single submitter. Criteria: Invitae Variant Classification Sherloc (09022015). Collection method: clinical testing. Allele origin: germline.
Comment: This sequence change creates a premature translational stop signal (p.Glu9*) in the SLC46A1 gene. It is expected to result in an absent or disrupted protein product. Loss-of-function variants in SLC46A1 are known to be pathogenic (PMID: 17446347, 21333572). This variant is not present in population databases (gnomAD no frequency). This variant has not been reported in the literature in individuals affected with SLC46A1-related conditions. For these reasons, this variant has been classified as Pathogenic.

Literature cited by the submitters: PubMed 17446347; PubMed 21333572.